The following is an entry in ClinVar:

NM_001361.5(DHODH):c.95G>T (p.Gly32Val)

Gene: DHODH (dihydroorotate dehydrogenase (quinone); plus strand). Cytogenetic location: 16q22.2.
Variant type: single nucleotide variant.
Coding change: c.95G>T on transcript NM_001361.5 (MANE Select); coding-DNA position 95, G replaced by T.
Protein change: p.Gly32Val; replaces glycine 32 with valine.
Molecular consequence: missense variant.
Genome position (GRCh38, 1-based): chr16:72,012,123, G>T. VCF-style: chr16-72012123-G-T. GRCh37 (hg19) VCF-style: chr16-72046022-G-T.
Other names: short protein forms G32V.
Identifiers: ClinVar variation 2585293 (VCV002585293.1), dbSNP rs1440605788, ClinGen allele CA396679965.

ClinVar aggregate classification (germline): Uncertain significance (1 of 4 stars; one submission).

Conditions:
Miller syndrome (POADS). Also called: Genee-Wiedemann acrofacial dysostosis; GENEE-WIEDEMANN SYNDROME. Identifiers: Orphanet 246, MedGen C0265257, MONDO:0009903, OMIM 263750.

Submission:

Neuberg Centre For Genomic Medicine, NCGM
Classification: Uncertain significance for Miller syndrome. Review status: criteria provided, single submitter. Criteria: ACMG Guidelines, 2015. Collection method: clinical testing. Allele origin: germline. Inheritance: Autosomal recessive inheritance. Affected: yes.
Comment: The missense variant p.G32V in DHODH (NM_001361.5) has not been reported previously as a pathogenic variant nor as a benign variant, to our knowledge. The p.G32V variant is novel (not in any individuals) in gnomAD Exomes and is novel (not in any individuals) in 1000 Genomes. There is a moderate physicochemical difference between glycine and valine. The p.G32V missense variant is predicted to be damaging by both SIFT and PolyPhen2. The glycine residue at codon 32 of DHODH is conserved in all mammalian species. The nucleotide c.95 in DHODH is predicted conserved by GERP++ and PhyloP across 100 vertebrates. For these reasons, this variant has been classified as Uncertain Significance.